The following is an entry in ClinVar:

ClinVar aggregate classification (germline): Uncertain significance (1 of 4 stars; one submission).

Conditions:
Catecholaminergic polymorphic ventricular tachycardia (CVPT). Also called: Catecholamine-induced polymorphic ventricular tachycardia. Identifiers: Orphanet 3286, MedGen C5574922, MONDO:0017990.

Allele frequency attached by ClinVar (database versions not stated): gnomAD exomes below 0.00001; ExAC 0.00001.
gnomAD v4.1: 1 of 1,613,818 alleles (0.000062%); highest among the groups gnomAD compares: Non-Finnish European, 0.000085%; no homozygotes.

Submission:

All of Us Research Program, National Institutes of Health
Classification: Uncertain significance for Catecholaminergic polymorphic ventricular tachycardia. Last evaluated: 2023-12-18. Review status: criteria provided, single submitter. Criteria: ACMG Guidelines, 2015. Collection method: clinical testing. Allele origin: germline. Inheritance: Autosomal dominant inheritance. Observed: 1 variant allele, 1 heterozygote.
Comment: This missense variant replaces arginine with glutamine at codon 2326 of the RYR2 protein. Computational prediction tool indicates that this variant may have deleterious impact on protein structure and function. To our knowledge, functional studies have not been reported for this variant. This variant has not been reported in individuals affected with RYR2-related disorders in the literature. This variant has been identified in 1/249140 chromosomes in the general population by the Genome Aggregation Database (gnomAD). The available evidence is insufficient to determine the role of this variant in disease conclusively. Therefore, this variant is classified as a Variant of Uncertain Significance.

This study involves interpretation of variants in research participants for the purpose of population health screening. Participant phenotype was not available at the time of variant classification. Additional details can be found in publication PMID: 35346344, PMCID: PMC8962531

NM_001035.3(RYR2):c.6977G>A (p.Arg2326Gln)

Gene: RYR2 (ryanodine receptor 2; plus strand). Cytogenetic location: 1q43.
Variant type: single nucleotide variant.
Coding change: c.6977G>A on transcript NM_001035.3 (MANE Select); coding-DNA position 6977, G replaced by A.
Protein change: p.Arg2326Gln; replaces arginine 2326 with glutamine.
Molecular consequence: missense variant.
Genome position (GRCh38, 1-based): chr1:237,639,063, G>A. VCF-style: chr1-237639063-G-A. GRCh37 (hg19) VCF-style: chr1-237802363-G-A.
Other names: short protein forms R2326Q.
Identifiers: ClinVar variation 3075117 (VCV003075117.1), dbSNP rs773565555, ClinGen allele CA087259.